The following is an entry in ClinVar:

ClinVar aggregate classification (germline): Uncertain significance. Review status: criteria provided, multiple submitters, no conflicts (2 of 4 stars). 2 submissions from 2 submitters: Uncertain significance (2). Last evaluated 2022-03-18.

Conditions:
Epidermolysis bullosa simplex 5B, with muscular dystrophy (EBS5B). Also called: Epidermolysis bullosa simplex with muscular dystrophy; EPIDERMOLYSIS BULLOSA SIMPLEX AND LIMB-GIRDLE MUSCULAR DYSTROPHY. Identifiers: Orphanet 257, MedGen C2931072, MONDO:0009181, OMIM 226670.
Epidermolysis bullosa simplex, Ogna type (EBS5A). Also called: Pidermolysis bullosa simplex 5A, Ogna type; EPIDERMOLYSIS BULLOSA SIMPLEX 5A, OGNA TYPE. Identifiers: Orphanet 79401, MedGen C0432317, MONDO:0007555, OMIM 131950.
Epidermolysis bullosa simplex 5C, with pyloric atresia (EBS5C). Also called: PLEC-Related Epidermolysis Bullosa with Pyloric Atresia; Epidermolysis bullosa simplex with pyloric atresia; PLEC1-Related Epidermolysis Bullosa with Pyloric Atresia. Identifiers: Orphanet 158684, MedGen C2677349, MONDO:0012807, OMIM 612138.
Autosomal recessive limb-girdle muscular dystrophy type 2Q (LGMDR17). Also called: MUSCULAR DYSTROPHY, LIMB-GIRDLE, AUTOSOMAL RECESSIVE 17. Identifiers: Orphanet 254361, MedGen C3150989, MONDO:0013390, OMIM 613723.
Epidermolysis bullosa simplex with nail dystrophy (EBS5D). Identifiers: MedGen C4225309, MONDO:0014661, OMIM 616487.

gnomAD v4.1: 1 of 1,593,574 alleles (0.000063%); highest among the groups gnomAD compares: African/African-American, 0.0013%; no homozygotes.

Submissions (2):

Labcorp Genetics (formerly Invitae), Labcorp
Classification: Uncertain significance for Autosomal recessive limb-girdle muscular dystrophy type 2Q; Epidermolysis bullosa simplex, Ogna type; Epidermolysis bullosa simplex with nail dystrophy; Epidermolysis bullosa simplex 5C, with pyloric atresia; Epidermolysis bullosa simplex 5B, with muscular dystrophy. Last evaluated: 2022-03-18. Review status: criteria provided, single submitter. Criteria: Invitae Variant Classification Sherloc (09022015). Collection method: clinical testing. Allele origin: germline.
Comment: This variant has not been reported in the literature in individuals affected with PLEC-related conditions. This sequence change replaces aspartic acid, which is acidic and polar, with histidine, which is basic and polar, at codon 3191 of the PLEC protein (p.Asp3191His). This variant is not present in population databases (gnomAD no frequency). ClinVar contains an entry for this variant (Variation ID: 1007472). Algorithms developed to predict the effect of missense changes on protein structure and function (SIFT, PolyPhen-2, Align-GVGD) all suggest that this variant is likely to be disruptive. In summary, the available evidence is currently insufficient to determine the role of this variant in disease. Therefore, it has been classified as a Variant of Uncertain Significance.

Athena Diagnostics
Classification: Uncertain significance. Last evaluated: 2021-01-13. Review status: criteria provided, single submitter. Criteria: Athena Diagnostics criteria. Collection method: clinical testing. Allele origin: unknown.

NM_201384.3(PLEC):c.9490G>C (p.Asp3164His)

Gene: PLEC (plectin; minus strand). Cytogenetic location: 8q24.3.
Variant type: single nucleotide variant.
Coding change: c.9490G>C on transcript NM_201384.3 (MANE Select); coding-DNA position 9490, G replaced by C.
Protein change: p.Asp3164His; replaces aspartic acid 3164 with histidine.
Molecular consequence: missense variant.
Genome position (GRCh38, 1-based): chr8:143,920,331, C>G on the plus strand (G>C on the coding strand, the complement: PLEC is on the minus strand). VCF-style: chr8-143920331-C-G. GRCh37 (hg19) VCF-style: chr8-144994499-C-G.
Other names: c.9571G>C, p.Asp3191His (NM_000445.5); c.9448G>C, p.Asp3150His (NM_201378.4); c.9424G>C, p.Asp3142His (NM_201379.3); c.9901G>C, p.Asp3301His (NM_201380.4); c.9394G>C, p.Asp3132His (NM_201381.3); c.9490G>C, p.Asp3164His (NM_201382.4); c.9502G>C, p.Asp3168His (NM_201383.3); short protein forms D3132H, D3142H, D3150H, D3164H, D3168H, D3191H, D3301H.
Identifiers: ClinVar variation 1007472 (VCV001007472.10), dbSNP rs782682146, ClinGen allele CA372508734.